The following is an entry in ClinVar:

NM_025081.3(NYNRIN):c.3551A>G (p.His1184Arg)

Gene: NYNRIN (NYN domain and retroviral integrase containing; plus strand). Cytogenetic location: 14q12.
Variant type: single nucleotide variant.
Coding change: c.3551A>G on transcript NM_025081.3 (MANE Select); coding-DNA position 3551, A replaced by G.
Protein change: p.His1184Arg; replaces histidine 1184 with arginine.
Molecular consequence: missense variant.
Genome position (GRCh38, 1-based): chr14:24,415,300, A>G. VCF-style: chr14-24415300-A-G. GRCh37 (hg19) VCF-style: chr14-24884506-A-G.
Other names: short protein forms H1184R.
Identifiers: ClinVar variation 3203607 (VCV003203607.2), dbSNP rs376021092, ClinGen allele CA7137262.
Genomic context (GRCh38, chr14:24,415,300, plus strand): 5'-TGACCGTGAGCCACGTGGCCCTGACGGCCATCCTCCATCAGGAGCACTCAGGGAGGAAGC[A>G]CCCCATAGCCTATACCTCAAAACCCCTCCTCCCTGATGAGGAGAGCCAGGGCCCCCAGTC-3'
Protein context (NP_079357.2, residues 1174-1194): ILHQEHSGRK[His1184Arg]PIAYTSKPLL

ClinVar aggregate classification (germline): Uncertain significance. Review status: criteria provided, multiple submitters, no conflicts (2 of 4 stars). 2 submissions from 2 submitters: Uncertain significance (2). Last evaluated 2025-09-15.

Allele frequency attached by ClinVar (database versions not stated): gnomAD exomes 0.00001; ExAC 0.00004; ESP Exome Variant Server 0.00008; gnomAD 0.00015; TOPMed 0.00022.
gnomAD v4.1: 38 of 1,613,716 alleles (0.0024%); highest among the groups gnomAD compares: African/African-American, 0.036%; no homozygotes.

Submissions (2):

Labcorp Genetics (formerly Invitae), Labcorp
Classification: Uncertain significance. Last evaluated: 2025-09-15. Review status: criteria provided, single submitter. Criteria: Invitae Variant Classification Sherloc (09022015). Collection method: clinical testing. Allele origin: germline.
Comment: This sequence change replaces histidine, which is basic and polar, with arginine, which is basic and polar, at codon 1184 of the NYNRIN protein (p.His1184Arg). This variant is present in population databases (rs376021092, gnomAD 0.05%). This variant has not been reported in the literature in individuals affected with NYNRIN-related conditions. ClinVar contains an entry for this variant (Variation ID: 3203607). An algorithm developed to predict the effect of missense changes on protein structure and function outputs the following: PolyPhen-2: "Not Available". The arginine amino acid residue is found in multiple mammalian species, which suggests that this missense change does not adversely affect protein function. In summary, the available evidence is currently insufficient to determine the role of this variant in disease. Therefore, it has been classified as a Variant of Uncertain Significance.

Ambry Genetics
Classification: Uncertain significance. Last evaluated: 2024-03-08. Review status: criteria provided, single submitter. Criteria: Ambry Variant Classification Scheme 2023. Collection method: clinical testing. Allele origin: germline.